The following is an entry in ClinVar:

ClinVar aggregate classification (germline): Uncertain significance (1 of 4 stars; one submission).

Allele frequency attached by ClinVar (database versions not stated): gnomAD 0.00001.
gnomAD v4.1: 1 of 1,613,700 alleles (0.000062%); highest among the groups gnomAD compares: Non-Finnish European, 0.000085%; no homozygotes.

Submission:

Biesecker Lab/Clinical Genomics Section, National Institutes of Health
Classification: Uncertain significance. Last evaluated: 2013-06-24. Review status: criteria provided, single submitter. Criteria: Ng et al. (Circ Cardiovasc Genet. 2013). Collection method: research. Allele origin: unknown. Observed: 1 variant allele. Study: ClinSeq.
Comment: The study set was not selected for affection status in relation to any cancer. Pathogenicity categories were based on literature curation. See Pubmed ID:23861362 for details.

Medical sequencing

NM_024334.3(TMEM43):c.218C>A (p.Ser73Tyr)

Gene: TMEM43 (transmembrane protein 43; plus strand). Cytogenetic location: 3p25.1.
Variant type: single nucleotide variant.
Coding change: c.218C>A on transcript NM_024334.3 (MANE Select); coding-DNA position 218, C replaced by A.
Protein change: p.Ser73Tyr; replaces serine 73 with tyrosine.
Molecular consequence: missense variant.
Genome position (GRCh38, 1-based): chr3:14,130,877, C>A. VCF-style: chr3-14130877-C-A. GRCh37 (hg19) VCF-style: chr3-14172377-C-A.
Other names: short protein forms S73Y.
Identifiers: ClinVar variation 191783 (VCV000191783.1), dbSNP rs200652985, ClinGen allele CA024629.